The following is an entry in ClinVar:

NM_004356.4(CD81):c.128A>G (p.Asn43Ser)

Gene: CD81 (CD81 molecule; plus strand). Cytogenetic location: 11p15.5.
Variant type: single nucleotide variant.
Coding change: c.128A>G on transcript NM_004356.4 (MANE Select); coding-DNA position 128, A replaced by G.
Protein change: p.Asn43Ser; replaces asparagine 43 with serine.
Molecular consequence: missense variant. On other transcripts: 5 prime UTR variant (1).
Genome position (GRCh38, 1-based): chr11:2,390,473, A>G. VCF-style: chr11-2390473-A-G. GRCh37 (hg19) VCF-style: chr11-2411703-A-G.
Other names: c.-86A>G (NM_001297649.2); short protein forms N43S.
Identifiers: ClinVar variation 1931884 (VCV001931884.6), dbSNP rs775127527, ClinGen allele CA5819843.

ClinVar aggregate classification (germline): Uncertain significance. Review status: criteria provided, multiple submitters, no conflicts (2 of 4 stars). 2 submissions from 2 submitters: Uncertain significance (2). Last evaluated 2025-12-26.

Allele frequency attached by ClinVar (database versions not stated): ExAC 0.00001; gnomAD 0.00001; gnomAD exomes 0.00001; TOPMed 0.00001.
gnomAD v4.1: 9 of 1,612,754 alleles (0.00056%); highest among the groups gnomAD compares: Non-Finnish European, 0.00068%; no homozygotes.

Submissions (2):

Labcorp Genetics (formerly Invitae), Labcorp
Classification: Uncertain significance. Last evaluated: 2025-12-26. Review status: criteria provided, single submitter. Criteria: Invitae Variant Classification Sherloc (09022015). Collection method: clinical testing. Allele origin: germline.
Comment: This sequence change replaces asparagine, which is neutral and polar, with serine, which is neutral and polar, at codon 43 of the CD81 protein (p.Asn43Ser). This variant is present in population databases (rs775127527, gnomAD 0.01%). This variant has not been reported in the literature in individuals affected with CD81-related conditions. ClinVar contains an entry for this variant (Variation ID: 1931884). An algorithm developed to predict the effect of missense changes on protein structure and function outputs the following: PolyPhen-2: "Benign". The serine amino acid residue is found in multiple mammalian species, which suggests that this missense change does not adversely affect protein function. In summary, the available evidence is currently insufficient to determine the role of this variant in disease. Therefore, it has been classified as a Variant of Uncertain Significance.

Ambry Genetics
Classification: Uncertain significance. Last evaluated: 2024-07-30. Review status: criteria provided, single submitter. Criteria: Ambry Variant Classification Scheme 2023. Collection method: clinical testing. Allele origin: germline.